The following is an entry in ClinVar:

NM_000051.4(ATM):c.8787-19A>G

Genes: ATM (ATM serine/threonine kinase; plus strand), C11orf65 (chromosome 11 open reading frame 65; minus strand). Cytogenetic location: 11q22.3.
Variant type: single nucleotide variant.
Coding change: c.8787-19A>G on transcript NM_000051.4 (MANE Select); 19 bases into the intron before coding-DNA position 8787, A replaced by G.
Molecular consequence: intron variant.
Genome position (GRCh38, 1-based): chr11:108,354,792, A>G. VCF-style: chr11-108354792-A-G. GRCh37 (hg19) VCF-style: chr11-108225519-A-G.
Other names: c.8787-19A>G (NM_001351834.2); c.640+31128T>C (NM_001330368.2); c.695-19500T>C (NM_001351110.2).
Identifiers: ClinVar variation 490745 (VCV000490745.12), dbSNP rs1555143457, ClinGen allele CA658683729.

ClinVar aggregate classification (germline): Likely benign. Review status: criteria provided, multiple submitters, no conflicts (2 of 4 stars). 4 submissions from 4 submitters: Likely benign (4). Last evaluated 2025-04-23.

Conditions:
Hereditary cancer-predisposing syndrome. Also called: Hereditary Cancer Syndrome; Neoplastic Syndromes, Hereditary; Tumor predisposition; Hereditary neoplastic syndrome. Identifiers: Orphanet 140162, MedGen C0027672, MeSH D009386, MONDO:0015356.
Familial cancer of breast. Also called: BREAST CANCER, FAMILIAL; Hereditary breast cancer; hereditary breast carcinoma. Identifiers: Orphanet 227535, MedGen C0346153, MONDO:0016419, OMIM 114480. Disease mechanism: loss of function.
Ataxia-telangiectasia syndrome (AT). Also called: Cerebello-oculocutaneous telangiectasia; Immunodeficiency with ataxia telangiectasia; Ataxia-telangiectasia, complementation group E; Ataxia-telangiectasia, complementation group D; AT, COMPLEMENTATION GROUP C; ATAXIA-TELANGIECTASIA, COMPLEMENTATION GROUP A. Identifiers: Orphanet 100, MedGen C0004135, MONDO:0008840, OMIM 208900.

Submissions (4):

Labcorp Genetics (formerly Invitae), Labcorp
Classification: Likely benign for Ataxia-telangiectasia syndrome. Last evaluated: 2025-04-23. Review status: criteria provided, single submitter. Criteria: Invitae Variant Classification Sherloc (09022015). Collection method: clinical testing. Allele origin: germline.

Myriad Genetics, Inc.
Classification: Likely benign for Familial cancer of breast. Last evaluated: 2024-06-20. Review status: criteria provided, single submitter. Criteria: Myriad Autosomal Dominant, Autosomal Recessive and X-Linked Classification Criteria (2023). Collection method: clinical testing. Allele origin: unknown.
Comment: This variant is considered likely benign. This variant is intronic and is not expected to impact mRNA splicing.

Color Diagnostics, LLC DBA Color Health
Classification: Likely benign for Hereditary cancer-predisposing syndrome. Last evaluated: 2017-10-02. Review status: criteria provided, single submitter. Criteria: ACMG Guidelines, 2015. Collection method: clinical testing. Allele origin: germline.

GeneDx
Classification: Likely benign. Last evaluated: 2017-02-16. Review status: criteria provided, single submitter. Criteria: GeneDx Variant Classification (06012015). Collection method: clinical testing. Allele origin: germline. Affected: yes.
Comment: This variant is considered likely benign or benign based on one or more of the following criteria: it is a conservative change, it occurs at a poorly conserved position in the protein, it is predicted to be benign by multiple in silico algorithms, and/or has population frequency not consistent with disease.